The following is an entry in ClinVar:

NM_001165963.4(SCN1A):c.4676T>C (p.Met1559Thr)

Genes: SCN1A (sodium voltage-gated channel alpha subunit 1; minus strand), LOC102724058 (uncharacterized LOC102724058; plus strand). Cytogenetic location: 2q24.3.
Variant type: single nucleotide variant.
Coding change: c.4676T>C on transcript NM_001165963.4 (MANE Select); coding-DNA position 4676, T replaced by C.
Protein change: p.Met1559Thr; replaces methionine 1559 with threonine.
Molecular consequence: missense variant. On other transcripts: non-coding transcript variant (1).
Genome position (GRCh38, 1-based): chr2:165,994,322, A>G on the plus strand (T>C on the coding strand, the complement: SCN1A is on the minus strand). VCF-style: chr2-165994322-A-G. GRCh37 (hg19) VCF-style: chr2-166850832-A-G.
Other names: c.4592T>C, p.Met1531Thr (NM_001165964.3, NM_001353957.2, NM_001353958.2); c.4676T>C, p.Met1559Thr (NM_001202435.3, NM_001353948.2); c.4643T>C, p.Met1548Thr (NM_001353949.2, NM_001353950.2, NM_001353951.2 and 2 more transcripts); c.4640T>C, p.Met1547Thr (NM_001353954.2, NM_001353955.2); c.4589T>C, p.Met1530Thr (NM_001353960.2); c.2234T>C, p.Met745Thr (NM_001353961.2); c.4676T>C (NM_001165963.1); short protein forms M1531T, M745T, M1548T, M1559T, M1530T, M1547T.
Identifiers: ClinVar variation 813533 (VCV000813533.7), dbSNP rs1689707865, ClinGen allele CA349072113.
Genomic context (GRCh38, chr2:165,994,322, plus strand): 5'-ACCAGATTGATGCGTGACAAAATGGTAGTCACATATTCACTCTGGTCATCTGTTTCCACC[A>G]TCATTGTGACCATGTTAAGACAGATGAGAATCATGATGCTTATGTCAAAAACTTGTCTGG-3'
Protein context (NP_001159435.1, residues 1549-1569): ILICLNMVTM[Met1559Thr]VETDDQSEYV

ClinVar aggregate classification (germline): Conflicting classifications of pathogenicity. Review status: criteria provided, conflicting classifications (1 of 4 stars). 4 submissions from 4 submitters: Likely pathogenic (1); Uncertain significance (1). 2 of the submissions do not count toward it. Last evaluated 2025-09-23.

Conditions:
Early-infantile DEE. Also called: Early infantile epileptic encephalopathy with suppression bursts; Ohtahara syndrome; Early infantile epileptic encephalopathy. Identifiers: Orphanet 1934, MedGen C0393706, MONDO:0800491.
Severe myoclonic epilepsy in infancy (DRVT). Also called: SEVERE MYOCLONIC EPILEPSY OF INFANCY; DEVELOPMENTAL AND EPILEPTIC ENCEPHALOPATHY 6A; Severe Myoclonic Epilepsy in Infancy (SMEI); Epileptic encephalopathy, early infantile, 6 (Dravet syndrome); Dravet syndrome. Identifiers: Orphanet 33069, MedGen C0751122, MONDO:0100135, OMIM 607208.
Generalized epilepsy with febrile seizures plus, type 2 (GEFSP2). Also called: GEFS+, TYPE 2. Identifiers: Orphanet 36387, MedGen C1858673, MONDO:0011461, OMIM 604403.
Microcephaly. Also called: Microcephaly (disease). Identifiers: MedGen C4551563, MONDO:0001149, HP:0000252.

Allele frequency attached by ClinVar (database versions not stated): gnomAD exomes below 0.00001; gnomAD 0.00001; TOPMed 0.00001.

Submissions (4):

Labcorp Genetics (formerly Invitae), Labcorp
Classification: Likely pathogenic for Early-infantile DEE. Last evaluated: 2025-09-23. Review status: criteria provided, single submitter. Criteria: Invitae Variant Classification Sherloc (09022015). Collection method: clinical testing. Allele origin: germline.
Comment: This sequence change replaces methionine, which is neutral and non-polar, with threonine, which is neutral and polar, at codon 1559 of the SCN1A protein (p.Met1559Thr). This variant is not present in population databases (gnomAD no frequency). This variant has not been reported in the literature in individuals affected with SCN1A-related conditions. ClinVar contains an entry for this variant (Variation ID: 813533). Invitae Evidence Modeling of protein sequence and biophysical properties (such as structural, functional, and spatial information, amino acid conservation, physicochemical variation, residue mobility, and thermodynamic stability) indicates that this missense variant is expected to disrupt SCN1A protein function with a positive predictive value of 95%. This variant disrupts the p.Met1559 amino acid residue in SCN1A. Other variant(s) that disrupt this residue have been determined to be pathogenic (internal data). This suggests that this residue is clinically significant, and that variants that disrupt this residue are likely to be disease-causing. In summary, the currently available evidence indicates that the variant is pathogenic, but additional data are needed to prove that conclusively. Therefore, this variant has been classified as Likely Pathogenic.

GeneDx
Classification: Uncertain significance. Last evaluated: 2024-01-10. Review status: criteria provided, single submitter. Criteria: GeneDx Variant Classification Process June 2021. Collection method: clinical testing. Allele origin: germline. Affected: yes.
Comment: Not observed at significant frequency in large population cohorts (gnomAD); In silico analysis supports that this missense variant has a deleterious effect on protein structure/function; Missense variants in this gene are a common cause of disease and they are underrepresented in the general population; Identified in a patient with seizures in an abstract, but additional evidence is not available (PMID: Roschitz2004[abstract]); This substitution is predicted to be within the transmembrane segment S1 of the fourth homologous domain; This variant is associated with the following publications: (PMID: Roschitz2004[abstract])

Clinical Genetics Laboratory, University Hospital Schleswig-Holstein
Classification: Uncertain significance for Generalized epilepsy with febrile seizures plus, type 2; Severe myoclonic epilepsy in infancy. Last evaluated: 2024-02-22. Review status: no assertion criteria provided. Collection method: clinical testing. Allele origin: germline. Affected: yes. Not counted in ClinVar's aggregate classification.

Department of Pediatrics, Samsung Medical Center, Samsung Medical Center
Classification: Uncertain significance for Microcephaly. Review status: no assertion criteria provided. Criteria: ACMG Guidelines, 2015. Collection method: research. Allele origin: germline. Affected: yes. Not counted in ClinVar's aggregate classification.